The following is an entry in ClinVar:

ClinVar aggregate classification (germline): Benign. Review status: criteria provided, multiple submitters, no conflicts (2 of 4 stars). 3 submissions from 3 submitters: Benign (3). Last evaluated 2023-11-12.

Allele frequency attached by ClinVar (database versions not stated): 1000 Genomes Project 30x 0.28170; 1000 Genomes Project 0.28614; ESP Exome Variant Server 0.22760; TOPMed 0.26149; ExAC 0.28184.
gnomAD v4.1: 419,352 of 1,582,348 alleles (27%); highest among the groups gnomAD compares: East Asian, 55%; 59,201 homozygotes.

Submissions (3):

Unidad de Genómica Garrahan, Hospital de Pediatría Garrahan
Classification: Benign. Last evaluated: 2023-11-12. Review status: criteria provided, single submitter. Criteria: ACMG Guidelines, 2015. Collection method: clinical testing. Allele origin: germline. Affected: no. Observed: 61 variant alleles.
Comment: This variant is classified as Benign based on local population frequency. This variant was detected in 64% of patients studied by a panel of primary immunodeficiencies. Number of patients: 61. Only high quality variants are reported.

GeneDx
Classification: Benign. Last evaluated: 2021-05-15. Review status: criteria provided, single submitter. Criteria: GeneDx Variant Classification Process June 2021. Collection method: clinical testing. Allele origin: germline. Affected: yes.

Breakthrough Genomics
Classification: Benign. Review status: criteria provided, single submitter. Criteria: ACMG Guidelines, 2015. Collection method: not provided. Allele origin: germline. Inheritance: Autosomal dominant inheritance. Affected: yes.

NM_002661.5(PLCG2):c.193+33G>A

Gene: PLCG2 (phospholipase C gamma 2; plus strand). Cytogenetic location: 16q23.3.
Variant type: single nucleotide variant.
Coding change: c.193+33G>A on transcript NM_002661.5 (MANE Select); 33 bases into the intron after coding-DNA position 193, G replaced by A.
Molecular consequence: intron variant.
Genome position (GRCh38, 1-based): chr16:81,786,215, G>A. VCF-style: chr16-81786215-G-A. GRCh37 (hg19) VCF-style: chr16-81819820-G-A.
Identifiers: ClinVar variation 1280980 (VCV001280980.4), dbSNP rs4294811, ClinGen allele CA8193071.
Genomic context (GRCh38, chr16:81,786,215, plus strand): 5'-AAGACCGCTGACAAGATCGAGGGCTTCTGTGAGTACTCGCTGGGTGGGGCAGTGTGGCCC[G>A]TCCTCTGGGGCCCTGGCCTGAGCACCTGTCCACCTTCCTGTCTTGTCATTACTGTGATTG-3'